The following is an entry in ClinVar:

ClinVar aggregate classification (germline): Uncertain significance. Review status: criteria provided, multiple submitters, no conflicts (2 of 4 stars). 2 submissions from 2 submitters: Uncertain significance (2). Last evaluated 2024-07-17.

Conditions:
Developmental and epileptic encephalopathy, 11 (DEE11). Also called: Early infantile epileptic encephalopathy 11. Identifiers: Orphanet 1934, MedGen C3150987, MONDO:0013388, OMIM 613721.

Allele frequency attached by ClinVar (database versions not stated): gnomAD exomes 0.00001.
gnomAD v4.1: 3 of 1,613,564 alleles (0.00019%); highest among the groups gnomAD compares: Non-Finnish European, 0.00025%; no homozygotes.

Submissions (2):

Institute of Human Genetics, University of Goettingen
Classification: Uncertain significance for Developmental and epileptic encephalopathy, 11. Last evaluated: 2024-07-17. Review status: criteria provided, single submitter. Criteria: ACMG Guidelines, 2015. Collection method: clinical testing. Allele origin: unknown. Inheritance: Sporadic. Affected: yes.
Comment: [PP3], [PM2_sup], [PP2]

CeGaT Center for Human Genetics Tuebingen
Classification: Uncertain significance. Last evaluated: 2024-06-01. Review status: criteria provided, single submitter. Criteria: CeGaT Center For Human Genetics Tuebingen Variant Classification Criteria Version 2. Collection method: clinical testing. Allele origin: germline. Affected: yes. Observed: 2 variant alleles.
Comment: SCN2A: PM2, PP3

NM_001371246.1(SCN2A):c.670G>A (p.Ala224Thr)

Gene: SCN2A (sodium voltage-gated channel alpha subunit 2; plus strand). Cytogenetic location: 2q24.3.
Variant type: single nucleotide variant.
Coding change: c.670G>A on transcript NM_001371246.1 (MANE Plus Clinical); coding-DNA position 670, G replaced by A.
Protein change: p.Ala224Thr; replaces alanine 224 with threonine.
Molecular consequence: missense variant. On other transcripts: intron variant (3).
Genome position (GRCh38, 1-based): chr2:165,309,229, G>A. VCF-style: chr2-165309229-G-A. GRCh37 (hg19) VCF-style: chr2-166165739-G-A.
Other names: c.606-123G>A (NM_001040142.2, NM_001371247.1, NM_021007.3); c.670G>A, p.Ala224Thr (NM_001040143.2); short protein forms A224T.
Identifiers: ClinVar variation 3250874 (VCV003250874.20), dbSNP rs2467886083.